The following is an entry in ClinVar:

ClinVar aggregate classification (germline): Likely benign (1 of 4 stars; one submission).

gnomAD v4.1: 37 of 1,208,653 alleles (0.0031%); highest among the groups gnomAD compares: Admixed American, 0.013%; no homozygotes.

Submission:

CeGaT Center for Human Genetics Tuebingen
Classification: Likely benign. Last evaluated: 2025-01-01. Review status: criteria provided, single submitter. Criteria: CeGaT Center For Human Genetics Tuebingen Variant Classification Criteria Version 2. Collection method: clinical testing. Allele origin: germline. Affected: yes. Observed: 1 variant allele.
Comment: IRAK1: BP4, BP7, BS2

NM_001569.4(IRAK1):c.1854C>T (p.Ala618=)

Gene: IRAK1 (interleukin 1 receptor associated kinase 1; minus strand). Cytogenetic location: Xq28.
Variant type: single nucleotide variant.
Coding change: c.1854C>T on transcript NM_001569.4 (MANE Select); coding-DNA position 1854, C replaced by T.
Protein change: p.Ala618=; no amino-acid change (alanine 618 retained).
Molecular consequence: synonymous variant.
Genome position (GRCh38, 1-based): chrX:154,013,119, G>A on the plus strand (C>T on the coding strand, the complement: IRAK1 is on the minus strand). VCF-style: chrX-154013119-G-A. GRCh37 (hg19) VCF-style: chrX-153278570-G-A.
Other names: c.1764C>T, p.Ala588= (NM_001025242.2); c.1617C>T, p.Ala539= (NM_001025243.2); c.1842C>T, p.Ala614= (NM_001410701.1).
Identifiers: ClinVar variation 3771450 (VCV003771450.13).